The following is an entry in ClinVar:

NM_144997.7(FLCN):c.1717A>T (p.Thr573Ser)

Gene: FLCN (folliculin; minus strand). Cytogenetic location: 17p11.2.
Variant type: single nucleotide variant.
Coding change: c.1717A>T on transcript NM_144997.7 (MANE Select); coding-DNA position 1717, A replaced by T.
Protein change: p.Thr573Ser; replaces threonine 573 with serine.
Molecular consequence: missense variant.
Genome position (GRCh38, 1-based): chr17:17,213,678, T>A on the plus strand (A>T on the coding strand, the complement: FLCN is on the minus strand). VCF-style: chr17-17213678-T-A. GRCh37 (hg19) VCF-style: chr17-17116992-T-A.
Other names: c.1771A>T, p.Thr591Ser (NM_001353229.2); c.1717A>T, p.Thr573Ser (NM_001353230.2, NM_001353231.2); short protein forms T573S, T591S.
Identifiers: ClinVar variation 1011921 (VCV001011921.5), dbSNP rs758901704, ClinGen allele CA8415910.

ClinVar aggregate classification (germline): Uncertain significance (1 of 4 stars; one submission).

Conditions:
Birt-Hogg-Dube syndrome. Also called: Birt Hogg Dubé syndrome. Identifiers: Orphanet 122, MedGen C0346010, MONDO:0800444.

Allele frequency attached by ClinVar (database versions not stated): gnomAD exomes below 0.00001; ExAC 0.00001; gnomAD 0.00001; TOPMed 0.00001.
gnomAD v4.1: 1 of 1,614,024 alleles (0.000062%); highest among the groups gnomAD compares: African/African-American, 0.0013%; no homozygotes.

Submission:

Labcorp Genetics (formerly Invitae), Labcorp
Classification: Uncertain significance for Birt-Hogg-Dube syndrome. Last evaluated: 2023-01-03. Review status: criteria provided, single submitter. Criteria: Invitae Variant Classification Sherloc (09022015). Collection method: clinical testing. Allele origin: germline.
Comment: This sequence change replaces threonine, which is neutral and polar, with serine, which is neutral and polar, at codon 573 of the FLCN protein (p.Thr573Ser). This variant is present in population databases (rs758901704, gnomAD 0.007%). This variant has not been reported in the literature in individuals affected with FLCN-related conditions. ClinVar contains an entry for this variant (Variation ID: 1011921). Algorithms developed to predict the effect of missense changes on protein structure and function (SIFT, PolyPhen-2, Align-GVGD) all suggest that this variant is likely to be tolerated. In summary, the available evidence is currently insufficient to determine the role of this variant in disease. Therefore, it has been classified as a Variant of Uncertain Significance.